The following is an entry in ClinVar:

ClinVar aggregate classification (germline): Pathogenic (1 of 4 stars; one submission).

Conditions:
Tuberous sclerosis 1 (TSC1). Identifiers: Orphanet 805, MedGen C1854465, MONDO:0008612, OMIM 191100.

Submission:

Labcorp Genetics (formerly Invitae), Labcorp
Classification: Pathogenic for Tuberous sclerosis 1. Last evaluated: 2019-08-20. Review status: criteria provided, single submitter. Criteria: Invitae Variant Classification Sherloc (09022015). Collection method: clinical testing. Allele origin: germline.
Comment: A gross deletion of the genomic region encompassing the full coding sequence of the TSC1 gene has been identified. The boundaries of this event are unknown as the deletion extends beyond the assayed region for this gene and therefore may encompass additional genes. Similar whole gene deletions of TSC1 have been reported in individuals affected with tuberous sclerosis, and in at least one individual this deletion was reported to arise de novo (PMID: 17287951, 20877415). Loss-of-function variants in TSC1 are known to be pathogenic (PMID: 10227394, 17304050). For these reasons, this variant has been classified as Pathogenic.

Literature cited by the submitters: PubMed 17287951; PubMed 20877415.

NC_000009.12:g.(?_132896215)_(132928892_?)del

Gene: TSC1 (TSC complex subunit 1; minus strand). Cytogenetic location: 9q34.13.
Variant type: Deletion.
Identifiers: ClinVar variation 652970 (VCV000652970.2).